The following is an entry in ClinVar:

NM_003072.5(SMARCA4):c.2212G>C (p.Val738Leu)

Gene: SMARCA4 (SWI/SNF related BAF chromatin remodeling complex subunit ATPase 4; plus strand). Cytogenetic location: 19p13.2.
Variant type: single nucleotide variant.
Coding change: c.2212G>C on transcript NM_003072.5 (MANE Select); coding-DNA position 2212, G replaced by C.
Protein change: p.Val738Leu; replaces valine 738 with leucine.
Molecular consequence: missense variant. On other transcripts: non-coding transcript variant (1).
Genome position (GRCh38, 1-based): chr19:11,010,469, G>C. VCF-style: chr19-11010469-G-C. GRCh37 (hg19) VCF-style: chr19-11121145-G-C.
Other names: c.2212G>C, p.Val738Leu (NM_001128844.3, NM_001128845.2, NM_001128846.2 and 6 more transcripts); short protein forms V738L.
Identifiers: ClinVar variation 1787789 (VCV001787789.2), dbSNP rs370273427, ClinGen allele CA404052842.
Genomic context (GRCh38, chr19:11,010,469, plus strand): 5'-TATGGCGTGTCCCAGGCCCTTGCACGTGGCCTGCAGTCCTACTATGCCGTGGCCCATGCT[G>C]TCACTGAGAGAGTGGACAAGCAGTCAGCGCTTATGGTCAATGGTGTCCTCAAACAGTACC-3'
Protein context (NP_003063.2, residues 728-748): LQSYYAVAHA[Val738Leu]TERVDKQSAL

ClinVar aggregate classification (germline): Uncertain significance (1 of 4 stars; one submission).

Conditions:
Hereditary cancer-predisposing syndrome. Also called: Neoplastic Syndromes, Hereditary; Tumor predisposition; Hereditary Cancer Syndrome; Hereditary neoplastic syndrome. Identifiers: Orphanet 140162, MedGen C0027672, MeSH D009386, MONDO:0015356.

Submission:

Ambry Genetics
Classification: Uncertain significance for Hereditary cancer-predisposing syndrome. Last evaluated: 2021-02-26. Review status: criteria provided, single submitter. Criteria: Ambry Variant Classification Scheme 2023. Collection method: clinical testing. Allele origin: germline.
Comment: The p.V738L variant (also known as c.2212G>C), located in coding exon 14 of the SMARCA4 gene, results from a G to C substitution at nucleotide position 2212. The valine at codon 738 is replaced by leucine, an amino acid with highly similar properties. This amino acid position is well conserved in available vertebrate species. In addition, the in silico prediction for this alteration is inconclusive. Missense and in-frame variants in SMARCA4 are known to cause neurodevelopmental disorders; however, such associations with rhabdoid tumor predisposition syndrome including small cell carcinoma of the ovary-hypercalcemic type (SCCOHT) are exceedingly rare (Kosho T et al. Am J Med Genet C Semin Med Genet. 2014 Sep;166C(3):262-75; Jelinic P et al. Nat Genet. 2014 May;46(5):424-6). Since supporting evidence is limited at this time, the clinical significance of this alteration remains unclear.